The following is an entry in ClinVar:

NM_001330260.2(SCN8A):c.715A>G (p.Thr239Ala)

Gene: SCN8A (sodium voltage-gated channel alpha subunit 8; plus strand). Cytogenetic location: 12q13.13.
Variant type: single nucleotide variant.
Coding change: c.715A>G on transcript NM_001330260.2 (MANE Select); coding-DNA position 715, A replaced by G.
Protein change: p.Thr239Ala; replaces threonine 239 with alanine.
Molecular consequence: missense variant.
Genome position (GRCh38, 1-based): chr12:51,699,578, A>G. VCF-style: chr12-51699578-A-G. GRCh37 (hg19) VCF-style: chr12-52093362-A-G.
Other names: c.715A>G, p.Thr239Ala (NM_001177984.3, NM_001369788.1, NM_014191.4); short protein forms T239A.
Identifiers: ClinVar variation 2778352 (VCV002778352.3), dbSNP rs2540172629, ClinGen allele CA385226366.

ClinVar aggregate classification (germline): Uncertain significance (1 of 4 stars; one submission).

Conditions:
Early-infantile DEE. Also called: Ohtahara syndrome; Early infantile epileptic encephalopathy; Early infantile epileptic encephalopathy with suppression bursts. Identifiers: Orphanet 1934, MedGen C0393706, MONDO:0800491.

Submission:

Labcorp Genetics (formerly Invitae), Labcorp
Classification: Uncertain significance for Early-infantile DEE. Last evaluated: 2022-12-16. Review status: criteria provided, single submitter. Criteria: Invitae Variant Classification Sherloc (09022015). Collection method: clinical testing. Allele origin: germline.
Comment: In summary, the available evidence is currently insufficient to determine the role of this variant in disease. Therefore, it has been classified as a Variant of Uncertain Significance. Advanced modeling of protein sequence and biophysical properties (such as structural, functional, and spatial information, amino acid conservation, physicochemical variation, residue mobility, and thermodynamic stability) performed at Invitae indicates that this missense variant is expected to disrupt SCN8A protein function. This variant is not present in population databases (gnomAD no frequency). This variant has not been reported in the literature in individuals affected with SCN8A-related conditions. This sequence change replaces threonine, which is neutral and polar, with alanine, which is neutral and non-polar, at codon 239 of the SCN8A protein (p.Thr239Ala).